The following is an entry in ClinVar:

NM_000088.4(COL1A1):c.3065G>T (p.Gly1022Val)

Gene: COL1A1 (collagen type I alpha 1 chain; minus strand). Cytogenetic location: 17q21.33.
Variant type: single nucleotide variant.
Coding change: c.3065G>T on transcript NM_000088.4 (MANE Select); coding-DNA position 3065, G replaced by T.
Protein change: p.Gly1022Val; replaces glycine 1022 with valine.
Molecular consequence: missense variant.
Genome position (GRCh38, 1-based): chr17:50,188,776, C>A on the plus strand (G>T on the coding strand, the complement: COL1A1 is on the minus strand). VCF-style: chr17-50188776-C-A. GRCh37 (hg19) VCF-style: chr17-48266137-C-A.
Other names: short protein forms G1022V.
Identifiers: ClinVar variation 420061 (VCV000420061.19), dbSNP rs67771061, ClinGen allele CA16620475.

ClinVar aggregate classification (germline): Pathogenic/Likely pathogenic. Review status: criteria provided, multiple submitters, no conflicts (2 of 4 stars). 6 submissions from 6 submitters: Pathogenic (3); Likely pathogenic (2). 1 of the submissions does not count toward it. Last evaluated 2023-07-17.

Conditions:
Osteogenesis imperfecta type I (OI1). Also called: Lobstein's Disease; Lobstein disease; Osteogenesis imperfecta type 1; OI, TYPE I; OSTEOGENESIS IMPERFECTA TARDA; OSTEOGENESIS IMPERFECTA WITH BLUE SCLERAE. Identifiers: Orphanet 216796, Orphanet 666, MedGen C0023931, MONDO:0008146, OMIM 166200. Disease mechanism: loss of function.
Osteogenesis imperfecta (OI). Identifiers: Orphanet 666, MedGen C0029434, MeSH D010013, MONDO:0019019.
Osteogenesis imperfecta, perinatal lethal (OI2). Also called: Osteogenesis imperfecta type 2; OI, TYPE II; OSTEOGENESIS IMPERFECTA CONGENITA; VROLIK TYPE OF OSTEOGENESIS IMPERFECTA; OSTEOGENESIS IMPERFECTA, TYPE II; Osteogenesis imperfecta, dominant perinatal lethal. Identifiers: Orphanet 216804, MedGen C0268358, MONDO:0008147, OMIM 166210.

Submissions (6):

GeneDx
Classification: Pathogenic. Last evaluated: 2023-07-17. Review status: criteria provided, single submitter. Criteria: GeneDx Variant Classification Process June 2021. Collection method: clinical testing. Allele origin: germline. Affected: yes.
Comment: Reported previously as G844V in multiple patients with osteogenesis imperfecta type II in published literature (Korkko et al., 1997; Marini et al., 2007); Occurs in the triple helical domain and replaces the glycine in the canonical Gly-X-Y repeat; missense substitution of a canonical glycine residue is expected to disrupt normal protein folding and function, and this is an established mechanism of disease (HGMD); Not observed at significant frequency in large population cohorts (gnomAD); In silico analysis, which includes protein predictors and evolutionary conservation, supports a deleterious effect; This variant is associated with the following publications: (PMID: 18996919, 30942118, 17078022, 9067755)

Department of Maternal-Fetal Biology, National Research Institute for Child Health and Development
Classification: Likely pathogenic for Osteogenesis imperfecta, perinatal lethal. Last evaluated: 2022-01-01. Review status: criteria provided, single submitter. Criteria: ACMG Guidelines, 2015. Collection method: research. Allele origin: de novo. Affected: yes. Observed: 1 variant allele.

Genome Diagnostics Laboratory, The Hospital for Sick Children
Classification: Pathogenic for Osteogenesis imperfecta. Last evaluated: 2019-05-01. Review status: criteria provided, single submitter. Criteria: ACMG Guidelines, 2015. Collection method: clinical testing. Allele origin: germline.

ARUP Laboratories, Molecular Genetics and Genomics, ARUP Laboratories
Classification: Pathogenic. Last evaluated: 2018-05-18. Review status: criteria provided, single submitter. Criteria: ARUP Molecular Germline Variant Investigation Process. Collection method: clinical testing. Allele origin: germline.
Comment: The COL1A1 c.3065G>T; p.Gly1022Val variant (rs67771061), also known as Gly844Val for legacy nomenclature, has been described in several individuals affected with osteogenesis imperfect (OI) type II (Bodian 2009, Korkko 1997, Marini 2007). It is reported as pathogenic by at least one laboratory in ClinVar (Variation ID: 420061) and is absent from general population databases (1000 Genomes Project, Exome Variant Server, and Genome Aggregation Database), indicating it is not a common polymorphism. This variant disrupts the repeating Gly-X-Y sequence motif of the collagen triple helix and is predicted to impair collagen function (Ben Amor 2011). Additional variants at this codon (p.Gly1022Ser, p.Gly1022Ala) have been reported in individuals with OI types I/IV and III and are considered pathogenic (Chen 2012, Marini 2007, Obafemi 2008). Based on available information, this variant is considered pathogenic. Pathogenic germline COL1A1 variants are inherited in an autosomal dominant manner, and are associated with osteogenesis imperfecta type I (MIM: 166200), osteogenesis imperfecta type II (MIM: 166210), osteogenesis imperfecta type III (MIM: 259420) and osteogenesis imperfecta type IV (MIM: 166220). References: Ben Amor I et al. Genotype-phenotype correlations in autosomal dominant osteogenesis imperfecta. J Osteoporos. 2011; 2011:540178. Bodian DL et al. Mutation and polymorphism spectrum in osteogenesis imperfecta type II: implications for genotype-phenotype relationships. Hum Mol Genet. 2009 Feb 1;18(3):463-71. Chen C et al. Identification of a missense mutation of c.3064G>A, Gly1022Ser in exon 43 of COL1A1 gene in a girl with osteogenesis imperfecta type III. Genet Couns. 2012;23(3):359-65. Korkko J et al. Two new recurrent nucleotide mutations in the COL1A1 gene in four patients with osteogenesis imperfecta: about one-fifth are recurrent. Hum Mutat. 1997;9(2):148-56. Marini JC et al. Consortium for osteogenesis imperfecta mutations in the helical domain of type I collagen: regions rich in lethal mutations align with collagen binding sites for integrins and proteoglycans. Hum Mutat. 2007 Mar;28(3):209-21. Obafemi A et al. Popcorn calcification in osteogenesis imperfecta: incidence, progression, and molecular correlation. Am J Med Genet A. 2008 Nov 1;146A(21):2725-32.

Genetic Laboratory, Lianyungang Maternal and Child Health Hospital Affiliated to Kangda College of Nanjing Medical University
Classification: Likely pathogenic for Osteogenesis imperfecta type I. Last evaluated: 2018-05-18. Review status: criteria provided, single submitter. Criteria: ACMG Guidelines, 2015. Collection method: research. Allele origin: de novo. Affected: yes.

Zotz-Klimas Genetics Lab, MVZ Zotz Klimas
Classification: Pathogenic for Osteogenesis imperfecta type I. Last evaluated: 2023-10-09. Review status: no assertion criteria provided. Collection method: clinical testing. Allele origin: germline. Affected: yes. Not counted in ClinVar's aggregate classification.